The following is an entry in ClinVar:

ClinVar aggregate classification (germline): Uncertain significance. Review status: criteria provided, multiple submitters, no conflicts (2 of 4 stars). 2 submissions from 2 submitters: Uncertain significance (2). Last evaluated 2024-09-06.

Conditions:
Inborn genetic diseases. Identifiers: MedGen C0950123, MeSH D030342.

Allele frequency attached by ClinVar (database versions not stated): gnomAD exomes below 0.00001; gnomAD 0.00001; TOPMed 0.00003.
gnomAD v4.1: 3 of 1,613,354 alleles (0.00019%); highest among the groups gnomAD compares: African/African-American, 0.0027%; no homozygotes.

Submissions (2):

GeneDx
Classification: Uncertain significance. Last evaluated: 2024-09-06. Review status: criteria provided, single submitter. Criteria: GeneDx Variant Classification Process June 2021. Collection method: clinical testing. Allele origin: germline. Affected: yes.
Comment: In silico analysis indicates that this missense variant does not alter protein structure/function; Has not been previously published as pathogenic or benign to our knowledge

Ambry Genetics
Classification: Uncertain significance for Inborn genetic diseases. Last evaluated: 2024-07-03. Review status: criteria provided, single submitter. Criteria: Ambry Variant Classification Scheme 2023. Collection method: clinical testing. Allele origin: germline.
Comment: The p.H1039Y variant (also known as c.3115C>T), located in coding exon 24 of the LRRK2 gene, results from a C to T substitution at nucleotide position 3115. The histidine at codon 1039 is replaced by tyrosine, an amino acid with similar properties. This amino acid position is conserved. In addition, this alteration is predicted to be tolerated by in silico analysis. Since supporting evidence is limited at this time, the clinical significance of this alteration remains unclear.

NM_198578.4(LRRK2):c.3115C>T (p.His1039Tyr)

Gene: LRRK2 (leucine rich repeat kinase 2; plus strand). Cytogenetic location: 12q12.
Variant type: single nucleotide variant.
Coding change: c.3115C>T on transcript NM_198578.4 (MANE Select); coding-DNA position 3115, C replaced by T.
Protein change: p.His1039Tyr; replaces histidine 1039 with tyrosine.
Molecular consequence: missense variant.
Genome position (GRCh38, 1-based): chr12:40,298,261, C>T. VCF-style: chr12-40298261-C-T. GRCh37 (hg19) VCF-style: chr12-40692063-C-T.
Other names: short protein forms H1039Y.
Identifiers: ClinVar variation 1727797 (VCV001727797.4), dbSNP rs368296922, ClinGen allele CA235348651.